The following is an entry in ClinVar:

NM_017777.4(MKS1):c.959-5C>A

Gene: MKS1 (MKS transition zone complex subunit 1; minus strand). Cytogenetic location: 17q22.
Variant type: single nucleotide variant.
Coding change: c.959-5C>A on transcript NM_017777.4 (MANE Select); 5 bases into the intron before coding-DNA position 959, C replaced by A.
Molecular consequence: intron variant.
Genome position (GRCh38, 1-based): chr17:58,210,729, G>T on the plus strand (C>A on the coding strand, the complement: MKS1 is on the minus strand). VCF-style: chr17-58210729-G-T. GRCh37 (hg19) VCF-style: chr17-56288090-G-T.
Other names: c.350-5C>A (NM_001321268.2); c.959-5C>A (NM_001330397.2, NM_001321269.2).
Identifiers: ClinVar variation 1066722 (VCV001066722.11), dbSNP rs765242131, ClinGen allele CA626729750.

ClinVar aggregate classification (germline): Conflicting classifications of pathogenicity. Review status: criteria provided, conflicting classifications (1 of 4 stars). 3 submissions from 3 submitters: Pathogenic (1); Uncertain significance (2). Last evaluated 2023-05-02.

Conditions:
Joubert syndrome 28 (JBTS28). Identifiers: MedGen C4310705, MONDO:0014928, OMIM 617121.
Joubert syndrome. Also called: Familial aplasia of the vermis; CEREBELLOPARENCHYMAL DISORDER IV; JOUBERT-BOLTSHAUSER SYNDROME. Identifiers: Orphanet 475, MedGen C5979921, MONDO:0018772.
Meckel-Gruber syndrome. Also called: Dysencephalia splachnocystica; DYSENCEPHALIA SPLANCHNOCYSTICA; GRUBER SYNDROME. Identifiers: Orphanet 564, MedGen C0265215, MONDO:0018921.
Meckel syndrome, type 1 (MKS1). Also called: MECKEL-GRUBER SYNDROME, TYPE 1. Identifiers: Orphanet 564, MedGen C3714506, MONDO:0009571, OMIM 249000.

gnomAD v4.1: 1 of 1,613,990 alleles (0.000062%); no homozygotes.

Submissions (3):

Broad Center for Mendelian Genomics, Broad Institute of MIT and Harvard
Classification: Uncertain significance for Joubert syndrome 28. Last evaluated: 2023-05-02. Review status: criteria provided, single submitter. Criteria: ACMG Guidelines, 2015. Collection method: curation. Allele origin: germline. Inheritance: Autosomal recessive inheritance.
Comment: The phenotype of this individual homozygous for this variant is highly specific for Joubert syndrome based on the presence of cerebellar vermis hypoplasia and molar tooth sign on MRI (PMID: 35238134). The c.959-5C>A variant in MKS1 has not been previously reported in individuals with Joubert syndrome 28, but has been identified in 0.0015% (1/68032) of European (non-Finnish) chromosomes by the Genome Aggregation Database (gnomAD; dbSNP ID: rs765242131). Although this variant has been seen in the general population in a heterozygous state, its frequency is low enough to be consistent with a recessive carrier frequency. This variant has also been reported in ClinVar (Variation ID: 1066722) and has been interpreted as likely pathogenic by Invitae. This variant is located in the 3' splice region. Computational tools predict a splicing impact, though this information is not predictive enough to determine pathogenicity. In summary, while there is some suspicion for a pathogenic role, the clinical significance of this variant is uncertain. ACMG/AMP Criteria applied: PM2_Supporting, PM3_Supporting, PP3, PP4 (Richards 2015).

3billion
Classification: Uncertain significance for Meckel syndrome, type 1. Last evaluated: 2023-02-23. Review status: criteria provided, single submitter. Criteria: ACMG Guidelines, 2015. Collection method: clinical testing. Allele origin: unknown. Affected: yes.
Comment: The variant is observed at an extremely low frequency in the gnomAD v2.1.1 dataset (total allele frequency: <0.001%). Intron variant. In silico tools predict the variant to alter splicing and produce an abnormal transcript (SpliceAI: 0.98). The variant has been reported to be associated with MKS1-related disorder (ClinVar ID: VCV001066722). However, the evidence of pathogenicity is insufficient at this time. Therefore, this variant is classified as VUS according to the recommendation of ACMG/AMP guideline.

Labcorp Genetics (formerly Invitae), Labcorp
Classification: Pathogenic for Joubert syndrome; Meckel-Gruber syndrome. Last evaluated: 2022-11-15. Review status: criteria provided, single submitter. Criteria: Invitae Variant Classification Sherloc (09022015). Collection method: clinical testing. Allele origin: germline.
Comment: For these reasons, this variant has been classified as Pathogenic. This sequence change falls in intron 10 of the MKS1 gene. It does not directly change the encoded amino acid sequence of the MKS1 protein. This variant is present in population databases (no rsID available, gnomAD no frequency). This variant has been observed in individual(s) with clinical features of Joubert syndrome (Invitae). In at least one individual the data is consistent with being in trans (on the opposite chromosome) from a pathogenic variant. ClinVar contains an entry for this variant (Variation ID: 1066722). Algorithms developed to predict the effect of sequence changes on RNA splicing suggest that this variant may create or strengthen a splice site.